The following is an entry in ClinVar:

ClinVar aggregate classification (germline): Uncertain significance (1 of 4 stars; one submission).

Conditions:
Charcot-Marie-Tooth disease type 4A. Also called: Charcot-Marie-Tooth disease, demyelinating, autosomal recessive, type 4a. Identifiers: Orphanet 99948, MedGen C1859198, MONDO:0008961, OMIM 214400.

Submission:

Labcorp Genetics (formerly Invitae), Labcorp
Classification: Uncertain significance for Charcot-Marie-Tooth disease type 4A. Last evaluated: 2025-03-30. Review status: criteria provided, single submitter. Criteria: Invitae Variant Classification Sherloc (09022015). Collection method: clinical testing. Allele origin: germline.
Comment: This sequence change replaces valine, which is neutral and non-polar, with phenylalanine, which is neutral and non-polar, at codon 215 of the GDAP1 protein (p.Val215Phe). This variant is not present in population databases (gnomAD no frequency). This variant has not been reported in the literature in individuals affected with GDAP1-related conditions. ClinVar contains an entry for this variant (Variation ID: 1722156). Invitae Evidence Modeling of protein sequence and biophysical properties (such as structural, functional, and spatial information, amino acid conservation, physicochemical variation, residue mobility, and thermodynamic stability) indicates that this missense variant is not expected to disrupt GDAP1 protein function with a negative predictive value of 80%. In summary, the available evidence is currently insufficient to determine the role of this variant in disease. Therefore, it has been classified as a Variant of Uncertain Significance.

NM_018972.4(GDAP1):c.643G>T (p.Val215Phe)

Gene: GDAP1 (ganglioside induced differentiation associated protein 1; plus strand). Cytogenetic location: 8q21.11.
Variant type: single nucleotide variant.
Coding change: c.643G>T on transcript NM_018972.4 (MANE Select); coding-DNA position 643, G replaced by T.
Protein change: p.Val215Phe; replaces valine 215 with phenylalanine.
Molecular consequence: missense variant.
Genome position (GRCh38, 1-based): chr8:74,363,002, G>T. VCF-style: chr8-74363002-G-T. GRCh37 (hg19) VCF-style: chr8-75275237-G-T.
Other names: c.439G>T, p.Val147Phe (NM_001040875.4); c.316G>T, p.Val106Phe (NM_001362929.2, NM_001362932.2); c.469G>T, p.Val157Phe (NM_001362930.2); c.643G>T, p.Val215Phe (NM_001362931.2); short protein forms V106F, V147F, V157F, V215F.
Identifiers: ClinVar variation 1722156 (VCV001722156.5), dbSNP rs2536747909, ClinGen allele CA371549592.
Genomic context (GRCh38, chr8:74,363,002, plus strand): 5'-AAGCTGCTTGATCATGACAATGTCAAGTATTTGAAGAAAATTCTTGATGAGTTGGAGAAA[G>T]TCTTGGATCAGGTTGAAACTGAATTGCAAAGAAGAAATGAAGAAACCCCAGGTAGGTTCT-3'
Protein context (NP_061845.2, residues 205-225): LKKILDELEK[Val215Phe]LDQVETELQR